The following is an entry in ClinVar:

NM_020795.4(NLGN2):c.632C>T (p.Thr211Met)

Gene: NLGN2 (neuroligin 2; plus strand). Cytogenetic location: 17p13.1.
Variant type: single nucleotide variant.
Coding change: c.632C>T on transcript NM_020795.4 (MANE Select); coding-DNA position 632, C replaced by T.
Protein change: p.Thr211Met; replaces threonine 211 with methionine.
Molecular consequence: missense variant.
Genome position (GRCh38, 1-based): chr17:7,414,467, C>T. VCF-style: chr17-7414467-C-T. GRCh37 (hg19) VCF-style: chr17-7317786-C-T.
Other names: short protein forms T211M.
Identifiers: ClinVar variation 3369774 (VCV003369774.1).

ClinVar aggregate classification (germline): Uncertain significance (1 of 4 stars; one submission).

gnomAD v4.1: 4 of 1,614,004 alleles (0.00025%); highest among the groups gnomAD compares: Non-Finnish European, 0.00034%; no homozygotes.

Submission:

GeneDx
Classification: Uncertain significance. Last evaluated: 2024-02-23. Review status: criteria provided, single submitter. Criteria: GeneDx Variant Classification Process June 2021. Collection method: clinical testing. Allele origin: germline. Affected: yes.
Comment: Not observed at significant frequency in large population cohorts (gnomAD); In silico analysis supports that this missense variant has a deleterious effect on protein structure/function; Has not been previously published as pathogenic or benign to our knowledge